The following is an entry in ClinVar:

NM_005609.4(PYGM):c.122_126del (p.Val41fs)

Gene: PYGM (glycogen phosphorylase, muscle associated; minus strand). Cytogenetic location: 11q13.1.
Variant type: Deletion.
Coding change: c.122_126del on transcript NM_005609.4 (MANE Select); coding-DNA positions 122 to 126, 5 bases deleted (TAAAG; older notation c.122_126delTAAAG).
Protein change: p.Val41fs; shifts the reading frame from valine 41.
Molecular consequence: frameshift variant.
Genome position (GRCh38, 1-based): chr11:64,759,773-64,759,777, CTTTA deleted on the plus strand (TAAAG on the coding strand, the reverse complement: PYGM is on the minus strand); deleting any 5 consecutive bases within chr11:64,759,773-64,759,778 gives the same sequence; the c. name uses the placement nearest the transcript's 3' end. VCF-style (leftmost placement, unchanged base first): chr11-64759772-CCTTTA-C. GRCh37 (hg19) VCF-style: chr11-64527244-CCTTTA-C.
Other names: c.122_126del, p.Val41fs (NM_001164716.1); short protein forms V41fs.
Identifiers: ClinVar variation 2112868 (VCV002112868.4), dbSNP rs2496675449, ClinGen allele CA2574865078.
Genomic context (GRCh38, chr11:64,759,772, plus strand): 5'-GGTCGCGCACGGTATGGGCCAGAGCAAAGTAGTAGTCTCGTGGGGTGGCCACATTGCGGT[CCTTTA>C]CGAGTGTGAAATGCAGGTGCCGGTTGAAGTTCTTTTTCAGCTCAGTCACGTTCTCCACGC-3'

ClinVar aggregate classification (germline): Pathogenic (1 of 4 stars; one submission).

Conditions:
Glycogen storage disease, type V (GSD5). Also called: MCARDLE DISEASE; MUSCLE GLYCOGEN PHOSPHORYLASE DEFICIENCY; MYOPHOSPHORYLASE DEFICIENCY; PYGM DEFICIENCY; McArdle type glycogen storage disease. Identifiers: Orphanet 368, MedGen C0017924, MONDO:0009293, OMIM 232600.

Submission:

Labcorp Genetics (formerly Invitae), Labcorp
Classification: Pathogenic for Glycogen storage disease, type V. Last evaluated: 2023-08-11. Review status: criteria provided, single submitter. Criteria: Invitae Variant Classification Sherloc (09022015). Collection method: clinical testing. Allele origin: germline.
Comment: For these reasons, this variant has been classified as Pathogenic. ClinVar contains an entry for this variant (Variation ID: 2112868). This variant has not been reported in the literature in individuals affected with PYGM-related conditions. This variant is not present in population databases (gnomAD no frequency). This sequence change creates a premature translational stop signal (p.Val41Glyfs*35) in the PYGM gene. It is expected to result in an absent or disrupted protein product. Loss-of-function variants in PYGM are known to be pathogenic (PMID: 8316268, 16786513).

Literature cited by the submitters: PubMed 8316268; PubMed 16786513.